The following is an entry in ClinVar:

NM_006516.4(SLC2A1):c.211A>C (p.Ile71Leu)

Gene: SLC2A1 (solute carrier family 2 member 1; minus strand). Cytogenetic location: 1p34.2.
Variant type: single nucleotide variant.
Coding change: c.211A>C on transcript NM_006516.4 (MANE Select); coding-DNA position 211, A replaced by C.
Protein change: p.Ile71Leu; replaces isoleucine 71 with leucine.
Molecular consequence: missense variant.
Genome position (GRCh38, 1-based): chr1:42,931,110, T>G on the plus strand (A>C on the coding strand, the complement: SLC2A1 is on the minus strand). VCF-style: chr1-42931110-T-G. GRCh37 (hg19) VCF-style: chr1-43396781-T-G.
Other names: short protein forms I71L.
Identifiers: ClinVar variation 4799897 (VCV004799897.1).

ClinVar aggregate classification (germline): Uncertain significance (1 of 4 stars; one submission).

Conditions:
GLUT1 deficiency syndrome 1, autosomal recessive. Identifiers: MedGen C3149117.

Submission:

Labcorp Genetics (formerly Invitae), Labcorp
Classification: Uncertain significance for GLUT1 deficiency syndrome 1, autosomal recessive. Last evaluated: 2025-07-14. Review status: criteria provided, single submitter. Criteria: Invitae Variant Classification Sherloc (09022015). Collection method: clinical testing. Allele origin: germline.
Comment: This sequence change replaces isoleucine, which is neutral and non-polar, with leucine, which is neutral and non-polar, at codon 71 of the SLC2A1 protein (p.Ile71Leu). This variant is not present in population databases (gnomAD no frequency). This variant has not been reported in the literature in individuals affected with SLC2A1-related conditions. Invitae Evidence Modeling of protein sequence and biophysical properties (such as structural, functional, and spatial information, amino acid conservation, physicochemical variation, residue mobility, and thermodynamic stability) has been performed for this missense variant. However, the output from this modeling did not meet the statistical confidence thresholds required to predict the impact of this variant on SLC2A1 protein function. In summary, the available evidence is currently insufficient to determine the role of this variant in disease. Therefore, it has been classified as a Variant of Uncertain Significance.